The following is an entry in ClinVar:

ClinVar aggregate classification (germline): Uncertain significance (1 of 4 stars; one submission).

Submission:

Ambry Genetics
Classification: Uncertain significance. Last evaluated: 2024-12-12. Review status: criteria provided, single submitter. Criteria: Ambry Variant Classification Scheme 2023. Collection method: clinical testing. Allele origin: germline.
Comment: The p.G176S variant (also known as c.526G>A), located in coding exon 3 of the GFI1 gene, results from a G to A substitution at nucleotide position 526. The glycine at codon 176 is replaced by serine, an amino acid with similar properties. This amino acid position is conserved. In addition, this alteration is predicted to be tolerated by in silico analysis. Based on the available evidence, the clinical significance of this variant remains unclear.

NM_005263.5(GFI1):c.526G>A (p.Gly176Ser)

Gene: GFI1 (growth factor independent 1 transcriptional repressor; minus strand). Cytogenetic location: 1p22.1.
Variant type: single nucleotide variant.
Coding change: c.526G>A on transcript NM_005263.5 (MANE Select); coding-DNA position 526, G replaced by A.
Protein change: p.Gly176Ser; replaces glycine 176 with serine.
Molecular consequence: missense variant.
Genome position (GRCh38, 1-based): chr1:92,480,861, C>T on the plus strand (G>A on the coding strand, the complement: GFI1 is on the minus strand). VCF-style: chr1-92480861-C-T. GRCh37 (hg19) VCF-style: chr1-92946418-C-T.
Other names: c.526G>A, p.Gly176Ser (NM_001127215.3, NM_001127216.3); short protein forms G176S.
Identifiers: ClinVar variation 3853646 (VCV003853646.1).